The following is an entry in ClinVar:

NM_000094.4(COL7A1):c.4756G>A (p.Gly1586Ser)

Gene: COL7A1 (collagen type VII alpha 1 chain; minus strand). Cytogenetic location: 3p21.31.
Variant type: single nucleotide variant.
Coding change: c.4756G>A on transcript NM_000094.4 (MANE Select); coding-DNA position 4756, G replaced by A.
Protein change: p.Gly1586Ser; replaces glycine 1586 with serine.
Molecular consequence: missense variant.
Genome position (GRCh38, 1-based): chr3:48,581,599, C>T on the plus strand (G>A on the coding strand, the complement: COL7A1 is on the minus strand). VCF-style: chr3-48581599-C-T. GRCh37 (hg19) VCF-style: chr3-48619032-C-T.
Other names: short protein forms G1586S.
Identifiers: ClinVar variation 2842170 (VCV002842170.3), dbSNP rs2531108408, ClinGen allele CA352684711.

ClinVar aggregate classification (germline): Uncertain significance (1 of 4 stars; one submission).

Allele frequency attached by ClinVar (database versions not stated): gnomAD exomes below 0.00001.

Submission:

Labcorp Genetics (formerly Invitae), Labcorp
Classification: Uncertain significance. Last evaluated: 2023-03-02. Review status: criteria provided, single submitter. Criteria: Invitae Variant Classification Sherloc (09022015). Collection method: clinical testing. Allele origin: germline.
Comment: Advanced modeling of protein sequence and biophysical properties (such as structural, functional, and spatial information, amino acid conservation, physicochemical variation, residue mobility, and thermodynamic stability) performed at Invitae indicates that this missense variant is expected to disrupt COL7A1 protein function. This sequence change replaces glycine, which is neutral and non-polar, with serine, which is neutral and polar, at codon 1586 of the COL7A1 protein (p.Gly1586Ser). This variant is not present in population databases (gnomAD no frequency). This variant has not been reported in the literature in individuals affected with COL7A1-related conditions. This variant disrupts the triple helix domain of COL7A1. Glycine residues within the Gly-Xaa-Yaa repeats of the triple helix domain are required for the structure and stability of fibrillar collagens (PMID: 7695699, 8218237, 19344236), and variants at these glycine residues in COL7A1 are more frequently observed in individuals with disease than in the general population (PMID: 22058051). However, the clinical significance of this observation remains uncertain since only a limited number of affected individuals have been described to date. In summary, the available evidence is currently insufficient to determine the role of this variant in disease. Therefore, it has been classified as a Variant of Uncertain Significance.

Literature cited by the submitters: PubMed 7695699; PubMed 8218237; PubMed 19344236; PubMed 22058051.